The following is an entry in ClinVar:

NM_001261826.3(AP3D1):c.-201C>T

Genes: AP3D1 (adaptor related protein complex 3 subunit delta 1; minus strand), LOC130063028 (ATAC-STARR-seq lymphoblastoid active region 13658; plus strand). Cytogenetic location: 19p13.3.
Variant type: single nucleotide variant.
Coding change: c.-201C>T on transcript NM_001261826.3 (MANE Select); 201 bases upstream of the start codon, C replaced by T.
Molecular consequence: 5 prime UTR variant.
Genome position (GRCh38, 1-based): chr19:2,151,535, G>A on the plus strand (C>T on the coding strand, the complement: AP3D1 is on the minus strand). VCF-style: chr19-2151535-G-A. GRCh37 (hg19) VCF-style: chr19-2151534-G-A.
Other names: c.-201C>T (NM_001374799.1, NM_003938.8).
Identifiers: ClinVar variation 1706726 (VCV001706726.2), dbSNP rs190085130, ClinGen allele CA14651216.

ClinVar aggregate classification (germline): Likely benign (1 of 4 stars; one submission).

Allele frequency attached by ClinVar (database versions not stated): 1000 Genomes Project 0.00280; 1000 Genomes Project 30x 0.00297; TOPMed 0.00585; gnomAD exomes 0.01135.
gnomAD v4.1: 1,400 of 165,244 alleles (0.85%); highest among the groups gnomAD compares: Middle Eastern, 1.2%; 19 homozygotes.

Submission:

GeneDx
Classification: Likely benign. Last evaluated: 2021-05-10. Review status: criteria provided, single submitter. Criteria: GeneDx Variant Classification Process June 2021. Collection method: clinical testing. Allele origin: germline. Affected: yes.
Comment: See Variant Classification Assertion Criteria.